The following is an entry in ClinVar:

ClinVar aggregate classification (germline): Uncertain significance (1 of 4 stars; one submission).

Conditions:
Cardiomyopathy (CMYO). Also called: Cardiomyopathies. Identifiers: Orphanet 167848, MedGen C0878544, MONDO:0004994, HP:0001638. Inheritance: Various modes of inheritance.

Submission:

Color Diagnostics, LLC DBA Color Health
Classification: Uncertain significance for Cardiomyopathy. Last evaluated: 2019-09-17. Review status: criteria provided, single submitter. Criteria: ACMG Guidelines, 2015. Collection method: clinical testing. Allele origin: germline.
Comment: This variant causes a deletion of 1 amino acid from the MYBPC3 protein. To our knowledge, functional studies have not been performed for this variant. This variant has not been reported in individuals affected with cardiovascular disorders in the literature. This variant has not been identified in the general population by the Genome Aggregation Database (gnomAD). The available evidence is insufficient to determine the role of this variant in disease conclusively. Therefore, this variant is classified as a Variant of Uncertain Significance.

NM_000256.3(MYBPC3):c.2499GCG[1] (p.Arg835del)

Gene: MYBPC3 (myosin binding protein C3; minus strand). Cytogenetic location: 11p11.2.
Variant type: Microsatellite.
Coding change: c.2499GCG[1] on transcript NM_000256.3 (MANE Select); one copy of the 3-base unit GCG starting at c.2499; the reference has two copies in a row; one copy, 3 bases deleted; also written c.2502_2504del.
Protein change: p.Arg835del; deletes arginine 835.
Molecular consequence: inframe deletion.
Genome position (GRCh38, 1-based): chr11:47,337,489-47,337,491, CGC deleted on the plus strand (GCG on the coding strand, the reverse complement: MYBPC3 is on the minus strand); deleting any 3 consecutive bases within chr11:47,337,489-47,337,494 gives the same sequence; the position shown is the placement nearest the transcript's 3' end. VCF-style (leftmost placement, unchanged base first): chr11-47337488-GCGC-G. GRCh37 (hg19) VCF-style: chr11-47359039-GCGC-G.
Other names: c.2502_2504del (NM_000256.3); short protein forms R835del.
Identifiers: ClinVar variation 928261 (VCV000928261.3), dbSNP rs2095883548, ClinGen allele CA1139659405.